The following is an entry in ClinVar:

ClinVar aggregate classification (germline): Uncertain significance (1 of 4 stars; one submission).

Submission:

Labcorp Genetics (formerly Invitae), Labcorp
Classification: Uncertain significance. Last evaluated: 2025-07-28. Review status: criteria provided, single submitter. Criteria: Invitae Variant Classification Sherloc (09022015). Collection method: clinical testing. Allele origin: germline.
Comment: This sequence change falls in intron 5 of the WFS1 gene. It does not directly change the encoded amino acid sequence of the WFS1 protein. This variant is not present in population databases (gnomAD no frequency). This variant has not been reported in the literature in individuals affected with WFS1-related conditions. Experimental studies and prediction algorithms are not available or were not evaluated, and the effect of this variant on mRNA splicing is currently unknown. In summary, the available evidence is currently insufficient to determine the role of this variant in disease. Therefore, it has been classified as a Variant of Uncertain Significance.

NM_006005.3(WFS1):c.631+13_631+29dup

Gene: WFS1 (wolframin ER transmembrane glycoprotein; plus strand). Cytogenetic location: 4p16.1.
Variant type: Duplication.
Coding change: c.631+13_631+29dup on transcript NM_006005.3 (MANE Select); bases 13 to 29 of the intron after coding-DNA position 631, 17 bases duplicated (ACCCTGGGCACCAGCCT).
Molecular consequence: intron variant.
Genome position (GRCh38, 1-based): chr4:6,291,380-6,291,396, ACCCTGGGCACCAGCCT duplicated. VCF-style (leftmost placement, unchanged base first): chr4-6291379-C-CACCCTGGGCACCAGCCT. GRCh37 (hg19) VCF-style: chr4-6293106-C-CACCCTGGGCACCAGCCT.
Other names: c.631+13_631+29dup (NM_001145853.1).
Identifiers: ClinVar variation 4698648 (VCV004698648.1).